The following is an entry in ClinVar:

ClinVar aggregate classification (germline): Likely benign. Review status: criteria provided, single submitter (1 of 4 stars). 2 submissions from 2 submitters: Likely benign (1). 1 of the submissions does not count toward it. Last evaluated 2023-02-14.

Conditions:
Charcot-Marie-Tooth disease type 2. Also called: Charcot-Marie-Tooth type 2. Identifiers: Orphanet 64746, MedGen C0270914, MONDO:0018993.
KIF1B-related disorder. Also called: KIF1B-related condition.

Allele frequency attached by ClinVar (database versions not stated): gnomAD exomes below 0.00001; ExAC 0.00001.
gnomAD v4.1: 7 of 1,614,156 alleles (0.00043%); highest among the groups gnomAD compares: Non-Finnish European, 0.00059%; no homozygotes.

Submissions (2):

Labcorp Genetics (formerly Invitae), Labcorp
Classification: Likely benign for Charcot-Marie-Tooth disease type 2. Last evaluated: 2023-02-14. Review status: criteria provided, single submitter. Criteria: Invitae Variant Classification Sherloc (09022015). Collection method: clinical testing. Allele origin: germline.

PreventionGenetics, part of Exact Sciences
Classification: Likely benign for KIF1B-related condition. Last evaluated: 2022-02-24. Review status: no assertion criteria provided. Collection method: clinical testing. Allele origin: germline. Not counted in ClinVar's aggregate classification.
Comment: This variant is classified as likely benign based on ACMG/AMP sequence variant interpretation guidelines (Richards et al. 2015 PMID: 25741868, with internal and published modifications).

NM_001365951.3(KIF1B):c.5096+7A>G

Gene: KIF1B (kinesin family member 1B; plus strand). Cytogenetic location: 1p36.22.
Variant type: single nucleotide variant.
Coding change: c.5096+7A>G on transcript NM_001365951.3 (MANE Select); 7 bases into the intron after coding-DNA position 5096, A replaced by G.
Molecular consequence: intron variant.
Genome position (GRCh38, 1-based): chr1:10,374,472, A>G. VCF-style: chr1-10374472-A-G. GRCh37 (hg19) VCF-style: chr1-10434530-A-G.
Other names: c.4958+7A>G (NM_015074.3); c.5096+7A>G (NM_001365952.1).
Identifiers: ClinVar variation 2716385 (VCV002716385.5), dbSNP rs781575666, ClinGen allele CA582258.